The following is an entry in ClinVar:

ClinVar aggregate classification (germline): Likely benign. Review status: criteria provided, single submitter (1 of 4 stars). 2 submissions from 2 submitters: Likely benign (1). 1 of the submissions does not count toward it. Last evaluated 2025-05-01.

Conditions:
PRR12-related disorder. Also called: PRR12-related condition.

Allele frequency attached by ClinVar (database versions not stated): TOPMed 0.00012; gnomAD 0.00015; 1000 Genomes Project 30x 0.00016; ESP Exome Variant Server 0.00016; ExAC 0.00037.
gnomAD v4.1: 398 of 1,612,828 alleles (0.025%); highest among the groups gnomAD compares: Non-Finnish European, 0.026%; no homozygotes.

Submissions (2):

CeGaT Center for Human Genetics Tuebingen
Classification: Likely benign. Last evaluated: 2025-05-01. Review status: criteria provided, single submitter. Criteria: CeGaT Center For Human Genetics Tuebingen Variant Classification Criteria Version 2. Collection method: clinical testing. Allele origin: germline. Affected: yes. Observed: 1 variant allele.
Comment: PRR12: BP4, BP7

PreventionGenetics, part of Exact Sciences
Classification: Likely benign for PRR12-related condition. Last evaluated: 2019-02-19. Review status: no assertion criteria provided. Collection method: clinical testing. Allele origin: germline. Not counted in ClinVar's aggregate classification.
Comment: This variant is classified as likely benign based on ACMG/AMP sequence variant interpretation guidelines (Richards et al. 2015 PMID: 25741868, with internal and published modifications).

NM_020719.3(PRR12):c.4695C>T (p.Ala1565=)

Gene: PRR12 (proline rich 12; plus strand). Cytogenetic location: 19q13.33.
Variant type: single nucleotide variant.
Coding change: c.4695C>T on transcript NM_020719.3 (MANE Select); coding-DNA position 4695, C replaced by T.
Protein change: p.Ala1565=; no amino-acid change (alanine 1565 retained).
Molecular consequence: synonymous variant.
Genome position (GRCh38, 1-based): chr19:49,601,840, C>T. VCF-style: chr19-49601840-C-T. GRCh37 (hg19) VCF-style: chr19-50105097-C-T.
Identifiers: ClinVar variation 3046522 (VCV003046522.12), dbSNP rs368409811, ClinGen allele CA9578552.
Genomic context (GRCh38, chr19:49,601,840, plus strand): 5'-CCTGCATCTGGCCAAAAAGCAGGAGACGGCGGCAGTGTGTGGGGAGACGGACGAGGAGGC[C>T]GGCGAGAGTGGCGGAGAGGGCATCTTCCGGGAACGGGACGAGTTCGTCATCCGTGCTGAG-3'
Protein context (NP_065770.1, residues 1555-1575): AAVCGETDEE[Ala1565=]GESGGEGIFR